The following is an entry in ClinVar:

NM_001319217.2(CYP1A1):c.134G>A (p.Gly45Asp)

Gene: CYP1A1 (cytochrome P450 family 1 subfamily A member 1; minus strand). Cytogenetic location: 15q24.1.
Variant type: single nucleotide variant.
Coding change: c.134G>A on transcript NM_001319217.2 (MANE Select); coding-DNA position 134, G replaced by A.
Protein change: p.Gly45Asp; replaces glycine 45 with aspartic acid.
Molecular consequence: missense variant.
Genome position (GRCh38, 1-based): chr15:74,722,964, C>T on the plus strand (G>A on the coding strand, the complement: CYP1A1 is on the minus strand). VCF-style: chr15-74722964-C-T. GRCh37 (hg19) VCF-style: chr15-75015305-C-T.
Other names: c.134G>A, p.Gly45Asp (NM_000499.5, NM_001319216.2); short protein forms G45D.
Identifiers: ClinVar variation 3058859 (VCV003058859.2), dbSNP rs4646422, ClinGen allele CA7659622.

ClinVar aggregate classification (germline): Benign (0 of 4 stars; one submission).

Conditions:
CYP1A1-related disorder. Also called: CYP1A1-related condition.

Allele frequency attached by ClinVar (database versions not stated): ESP Exome Variant Server 0.00015; gnomAD exomes 0.00433; gnomAD 0.00496; TOPMed 0.00645; ExAC 0.01038; 1000 Genomes Project 30x 0.02171; 1000 Genomes Project 0.02416.

Submission:

PreventionGenetics, part of Exact Sciences
Classification: Benign for CYP1A1-related condition. Last evaluated: 2019-10-21. Review status: no assertion criteria provided. Collection method: clinical testing. Allele origin: germline.
Comment: This variant is classified as benign based on ACMG/AMP sequence variant interpretation guidelines (Richards et al. 2015 PMID: 25741868, with internal and published modifications).